The following is an entry in ClinVar:

NM_001114748.2(TMEM240):c.492C>T (p.His164=)

Gene: TMEM240 (transmembrane protein 240; minus strand). Cytogenetic location: 1p36.33.
Variant type: single nucleotide variant.
Coding change: c.492C>T on transcript NM_001114748.2 (MANE Select); coding-DNA position 492, C replaced by T.
Protein change: p.His164=; no amino-acid change (histidine 164 retained).
Molecular consequence: synonymous variant.
Genome position (GRCh38, 1-based): chr1:1,535,389, G>A on the plus strand (C>T on the coding strand, the complement: TMEM240 is on the minus strand). VCF-style: chr1-1535389-G-A. GRCh37 (hg19) VCF-style: chr1-1470769-G-A.
Other names: p.His164=.
Identifiers: ClinVar variation 711681 (VCV000711681.12), dbSNP rs375367099, ClinGen allele CA526629.

ClinVar aggregate classification (germline): Benign/Likely benign. Review status: criteria provided, multiple submitters, no conflicts (2 of 4 stars). 4 submissions from 4 submitters: Benign (3); Likely benign (1). Last evaluated 2025-12-13.

Allele frequency attached by ClinVar (database versions not stated): gnomAD exomes 0.00052 and 0.00115; ExAC 0.00214; gnomAD 0.00524 and 0.00564; 1000 Genomes Project 0.00539; 1000 Genomes Project 30x 0.00562; TOPMed 0.00595; ESP Exome Variant Server 0.00635.
gnomAD v4.1: 1,554 of 1,549,902 alleles (0.1%); highest among the groups gnomAD compares: African/African-American, 1.8%; 13 homozygotes.

Submissions (4):

Labcorp Genetics (formerly Invitae), Labcorp
Classification: Benign. Last evaluated: 2025-12-13. Review status: criteria provided, single submitter. Criteria: Invitae Variant Classification Sherloc (09022015). Collection method: clinical testing. Allele origin: germline.

Mayo Clinic Laboratories, Mayo Clinic
Classification: Benign. Last evaluated: 2025-02-25. Review status: criteria provided, single submitter. Criteria: ACMG Guidelines, 2015. Collection method: clinical testing. Allele origin: germline. Observed: 1 variant allele.
Comment: BS1, BS2, BP4, BP7

Blueprint Genetics
Classification: Likely benign. Last evaluated: 2024-11-25. Review status: criteria provided, single submitter. Criteria: ACMG Guidelines, 2015. Collection method: clinical testing. Allele origin: germline.

Breakthrough Genomics
Classification: Benign. Review status: criteria provided, single submitter. Criteria: ACMG Guidelines, 2015. Collection method: not provided. Allele origin: germline. Inheritance: Autosomal dominant inheritance. Affected: yes.